The following is an entry in ClinVar:

NM_001126108.2(SLC12A3):c.781C>T (p.Arg261Cys)

Gene: SLC12A3 (solute carrier family 12 member 3; plus strand). Cytogenetic location: 16q13.
Variant type: single nucleotide variant.
Coding change: c.781C>T on transcript NM_001126108.2 (MANE Select); coding-DNA position 781, C replaced by T.
Protein change: p.Arg261Cys; replaces arginine 261 with cysteine.
Molecular consequence: missense variant.
Genome position (GRCh38, 1-based): chr16:56,870,665, C>T. VCF-style: chr16-56870665-C-T. GRCh37 (hg19) VCF-style: chr16-56904577-C-T.
Other names: c.781C>T, p.Arg261Cys (NM_000339.3); c.778C>T, p.Arg260Cys (NM_001126107.2, NM_001410896.1); c.781C>T (NM_000339.2); short protein forms R260C, R261C.
Identifiers: ClinVar variation 2682241 (VCV002682241.5), dbSNP rs201124663, ClinGen allele CA8069204.

ClinVar aggregate classification (germline): Uncertain significance. Review status: criteria provided, multiple submitters, no conflicts (2 of 4 stars). 4 submissions from 4 submitters: Uncertain significance (4). Last evaluated 2024-05-19.

Conditions:
Familial hypokalemia-hypomagnesemia (GTLMNS). Also called: gitelman syndrome; HYPOMAGNESEMIA-HYPOKALEMIA, PRIMARY RENOTUBULAR, WITH HYPOCALCIURIA; POTASSIUM AND MAGNESIUM DEPLETION. Identifiers: Orphanet 358, MedGen C0268450, MONDO:0009904, OMIM 263800.
Inborn genetic diseases. Identifiers: MedGen C0950123, MeSH D030342.

Allele frequency attached by ClinVar (database versions not stated): ESP Exome Variant Server 0.00008; gnomAD 0.00009; ExAC 0.00012; TOPMed 0.00012; 1000 Genomes Project 30x 0.00016; 1000 Genomes Project 0.00020; gnomAD exomes 0.00024.

Submissions (4):

Fulgent Genetics
Classification: Uncertain significance for Familial hypokalemia-hypomagnesemia. Last evaluated: 2024-05-19. Review status: criteria provided, single submitter. Criteria: ACMG Guidelines, 2015. Collection method: clinical testing. Allele origin: germline.

3billion
Classification: Uncertain significance for Familial hypokalemia-hypomagnesemia. Last evaluated: 2024-01-29. Review status: criteria provided, single submitter. Criteria: ACMG Guidelines, 2015. Collection method: clinical testing. Allele origin: germline. Affected: yes.
Comment: The variant is observed at an extremely low frequency in the gnomAD v2.1.1 dataset (total allele frequency: 0.012%). Predicted Consequence/Location: Missense variant In silico tool predictions suggest damaging effect of the variant on gene or gene product [REVEL: 0.86 (>=0.6, sensitivity 0.68 and specificity 0.92); 3Cnet: 0.99 (>=0.6, sensitivity 0.72 and precision 0.9)]. Same nucleotide change resulting in same amino acid change has been previously reported to be associated with SLC12A3 related disorder (PMID: 17044667, 18391953). A different missense change at the same codon (p.Arg261His) has been reported to be associated with SLC12A3 related disorder (PMID: 9734597). However the evidence of pathogenicity is insufficient at this time. Therefore, this variant is classified as VUS according to the recommendation of ACMG/AMP guideline.

Women's Health and Genetics/Laboratory Corporation of America, LabCorp
Classification: Uncertain significance. Last evaluated: 2023-11-22. Review status: criteria provided, single submitter. Criteria: LabCorp Variant Classification Summary - May 2015. Collection method: clinical testing. Allele origin: germline.
Comment: Variant summary: SLC12A3 c.781C>T (p.Arg261Cys) results in a non-conservative amino acid change located in the Amino acid permease/ SLC12A domain (IPR004841) of the encoded protein sequence. Five of five in-silico tools predict a damaging effect of the variant on protein function. The variant allele was found at a frequency of 0.00016 in 256266 control chromosomes in the gnomAD database and at a frequency of 0.0021 in 4816 control chromosomes in the Japanese population in the jMorp database. These data do not allow any conclusion about variant significance. To our knowledge, no experimental evidence demonstrating an impact on protein function has been reported. The following publications have been ascertained in the context of this evaluation (PMID: 17044667, 18391953, 24162365). No submitters have cited clinical-significance assessments for this variant to ClinVar after 2014. Based on the evidence outlined above, the variant was classified as uncertain significance.

Ambry Genetics
Classification: Uncertain significance for Inborn genetic diseases. Last evaluated: 2022-08-05. Review status: criteria provided, single submitter. Criteria: Ambry Variant Classification Scheme 2023. Collection method: clinical testing. Allele origin: germline.

Literature cited by the submitters: PubMed 17044667 (cited by 3 submitters); PubMed 9734597 (cited by 3billion); PubMed 18391953 (cited by Women's Health and Genetics/Laboratory Corporation of America, LabCorp and Ambry Genetics); PubMed 24162365 (cited by Women's Health and Genetics/Laboratory Corporation of America, LabCorp and Ambry Genetics); PubMed 29069501 (cited by Women's Health and Genetics/Laboratory Corporation of America, LabCorp); PubMed 34373523 (cited by Ambry Genetics).